The following is an entry in ClinVar:

ClinVar aggregate classification (germline): Conflicting classifications of pathogenicity. Review status: criteria provided, conflicting classifications (1 of 4 stars). 8 submissions from 8 submitters: Uncertain significance (7); Likely benign (1). Last evaluated 2026-05-15.

Conditions:
Cardiovascular phenotype. Identifiers: MedGen CN230736.
Cardiomyopathy (CMYO). Also called: Cardiomyopathies. Identifiers: Orphanet 167848, MedGen C0878544, MONDO:0004994, HP:0001638. Inheritance: Various modes of inheritance.
Syncope. Also called: fainting. Identifiers: MedGen C0039070, HP:0001279.
Hypertrophic cardiomyopathy. Also called: HYPERTROPHIC MYOCARDIOPATHY. Identifiers: Orphanet 217569, MedGen C0007194, MeSH D002312, MONDO:0005045, HP:0001639.

Allele frequency attached by ClinVar (database versions not stated): gnomAD 0.00001; TOPMed 0.00001; ExAC 0.00002; gnomAD exomes 0.00003 and 0.00006.
gnomAD v4.1: 89 of 1,613,990 alleles (0.0055%); highest among the groups gnomAD compares: Non-Finnish European, 0.0075%; no homozygotes.

Submissions (8):

Clinical Genetics Laboratory, Skane University Hospital Lund
Classification: Uncertain significance for Syncope. Last evaluated: 2026-05-15. Review status: criteria provided, single submitter. Criteria: ACMG Guidelines, 2015. Collection method: clinical testing. Allele origin: germline. Affected: yes.
Comment: Criteria applied in accordance with ClinGen Cardiomyopathy Expert Panel Specifications to the ACMG/AMP Variant Interpretation Guidelines for MYH7 Version 2.0.0: PM1, BP4.

Mayo Clinic Laboratories, Mayo Clinic
Classification: Uncertain significance. Last evaluated: 2025-04-09. Review status: criteria provided, single submitter. Criteria: ACMG Guidelines, 2015. Collection method: clinical testing. Allele origin: germline. Observed: 1 variant allele.
Comment: BP4, PM1

Color Diagnostics, LLC DBA Color Health
Classification: Uncertain significance for Cardiomyopathy. Last evaluated: 2025-04-08. Review status: criteria provided, single submitter. Criteria: ACMG Guidelines, 2015. Collection method: clinical testing. Allele origin: germline.
Comment: This missense variant replaces methionine with valine at codon 349 of the MYH7 protein. Computational prediction suggests that this variant may not impact protein structure and function. To our knowledge, functional studies have not been reported for this variant. This variant has been reported in two individuals affected with hypertrophic cardiomyopathy and in one individual affected with dilated cardiomyopathy (PMID: 27532257, 31983221, 37652022). This variant has also been identified in 7/251482 chromosomes in the general population by the Genome Aggregation Database (gnomAD). The available evidence is insufficient to determine the role of this variant in disease conclusively. Therefore, this variant is classified as a Variant of Uncertain Significance.

Labcorp Genetics (formerly Invitae), Labcorp
Classification: Uncertain significance for Hypertrophic cardiomyopathy. Last evaluated: 2024-10-03. Review status: criteria provided, single submitter. Criteria: Invitae Variant Classification Sherloc (09022015). Collection method: clinical testing. Allele origin: germline.
Comment: This sequence change replaces methionine, which is neutral and non-polar, with valine, which is neutral and non-polar, at codon 349 of the MYH7 protein (p.Met349Val). This variant is present in population databases (rs730880730, gnomAD 0.006%). This missense change has been observed in individual(s) with hypertrophic cardiomyopathy and dilated cardiomyopathy (PMID: 27532257, 37652022). ClinVar contains an entry for this variant (Variation ID: 181169). Invitae Evidence Modeling of protein sequence and biophysical properties (such as structural, functional, and spatial information, amino acid conservation, physicochemical variation, residue mobility, and thermodynamic stability) indicates that this missense variant is not expected to disrupt MYH7 protein function with a negative predictive value of 95%. In summary, the available evidence is currently insufficient to determine the role of this variant in disease. Therefore, it has been classified as a Variant of Uncertain Significance.

Blueprint Genetics
Classification: Likely benign. Last evaluated: 2024-07-16. Review status: criteria provided, single submitter. Criteria: ACMG Guidelines, 2015. Collection method: clinical testing. Allele origin: germline.

All of Us Research Program, National Institutes of Health
Classification: Uncertain significance for Cardiomyopathy. Last evaluated: 2023-08-15. Review status: criteria provided, single submitter. Criteria: ACMG Guidelines, 2015. Collection method: clinical testing. Allele origin: germline. Inheritance: Autosomal dominant inheritance. Observed: 3 variant alleles, 3 heterozygotes.
Comment: This missense variant replaces methionine with valine at codon 349 of the MYH7 protein. Computational prediction suggests that this variant may not impact protein structure and function (internally defined REVEL score threshold <= 0.5, PMID: 27666373). To our knowledge, functional studies have not been reported for this variant. This variant has been reported in two individuals affected with hypertrophic cardiomyopathy and in one individual affected with dilated cardiomyopathy (PMID: 27532257). This variant has also been identified in 7/251482 chromosomes in the general population by the Genome Aggregation Database (gnomAD). The available evidence is insufficient to determine the role of this variant in disease conclusively. Therefore, this variant is classified as a Variant of Uncertain Significance.

This study involves interpretation of variants in research participants for the purpose of population health screening. Participant phenotype was not available at the time of variant classification. Additional details can be found in publication PMID: 35346344, PMCID: PMC8962531

Ambry Genetics
Classification: Uncertain significance for Cardiovascular phenotype. Last evaluated: 2023-06-13. Review status: criteria provided, single submitter. Criteria: Ambry Variant Classification Scheme 2023. Collection method: clinical testing. Allele origin: germline.
Comment: The p.M349V variant (also known as c.1045A>G), located in coding exon 10 of the MYH7 gene, results from an A to G substitution at nucleotide position 1045. The methionine at codon 349 is replaced by valine, an amino acid with highly similar properties. This alteration has been reported in cardiomyopathy cohorts; however, clinical details were limited (Walsh R et al. Genet Med, 2017 Feb;19:192-203; Mazzarotto F et al. Circulation, 2020 Feb;141:387-398). This amino acid position is poorly conserved in available vertebrate species. In addition, this alteration is predicted to be tolerated by in silico analysis. Since supporting evidence is limited at this time, the clinical significance of this alteration remains unclear.

GeneDx
Classification: Uncertain significance. Last evaluated: 2019-01-24. Review status: criteria provided, single submitter. Criteria: GeneDx Variant Classification Process June 2021. Collection method: clinical testing. Allele origin: germline. Affected: yes.
Comment: Reported in association with HCM and DCM (Walsh et al., 2017); Observed in 0.0063% (7/111712) of alleles from individuals of European (non-Finnish) background in large population cohorts (Lek et al., 2016); In silico analysis, which includes protein predictors and evolutionary conservation, supports that this variant does not alter protein structure/function; This variant is associated with the following publications: (PMID: 27532257)

Literature cited by the submitters: PubMed 27532257 (cited by 5 submitters); PubMed 31983221 (cited by 3 submitters); PubMed 37652022 (cited by 3 submitters).

NM_000257.4(MYH7):c.1045A>G (p.Met349Val)

Gene: MYH7 (myosin heavy chain 7; minus strand). Cytogenetic location: 14q11.2.
Variant type: single nucleotide variant.
Coding change: c.1045A>G on transcript NM_000257.4 (MANE Select); coding-DNA position 1045, A replaced by G.
Protein change: p.Met349Val; replaces methionine 349 with valine.
Molecular consequence: missense variant.
Genome position (GRCh38, 1-based): chr14:23,429,868, T>C on the plus strand (A>G on the coding strand, the complement: MYH7 is on the minus strand). VCF-style: chr14-23429868-T-C. GRCh37 (hg19) VCF-style: chr14-23899077-T-C.
Other names: p.M349V:ATG>GTG; short protein forms M349V.
Identifiers: ClinVar variation 181169 (VCV000181169.19), dbSNP rs730880730, ClinGen allele CA010082.